The following is an entry in ClinVar:

ClinVar aggregate classification (germline): Uncertain significance (1 of 4 stars; one submission).

Allele frequency attached by ClinVar (database versions not stated): gnomAD 0.00001; gnomAD exomes 0.00001; ExAC 0.00002.
gnomAD v4.1: 22 of 1,613,622 alleles (0.0014%); highest among the groups gnomAD compares: Admixed American, 0.012%; no homozygotes.

Submission:

Labcorp Genetics (formerly Invitae), Labcorp
Classification: Uncertain significance. Last evaluated: 2022-03-04. Review status: criteria provided, single submitter. Criteria: Invitae Variant Classification Sherloc (09022015). Collection method: clinical testing. Allele origin: germline.
Comment: This sequence change replaces glycine, which is neutral and non-polar, with serine, which is neutral and polar, at codon 451 of the VPS33A protein (p.Gly451Ser). This variant is present in population databases (rs747093853, gnomAD 0.02%). This variant has not been reported in the literature in individuals affected with VPS33A-related conditions. Algorithms developed to predict the effect of missense changes on protein structure and function (SIFT, PolyPhen-2, Align-GVGD) all suggest that this variant is likely to be disruptive. In summary, the available evidence is currently insufficient to determine the role of this variant in disease. Therefore, it has been classified as a Variant of Uncertain Significance.

NM_022916.6(VPS33A):c.1351G>A (p.Gly451Ser)

Gene: VPS33A (VPS33A core subunit of CORVET and HOPS complexes; minus strand). Cytogenetic location: 12q24.31.
Variant type: single nucleotide variant.
Coding change: c.1351G>A on transcript NM_022916.6 (MANE Select); coding-DNA position 1351, G replaced by A.
Protein change: p.Gly451Ser; replaces glycine 451 with serine.
Molecular consequence: missense variant.
Genome position (GRCh38, 1-based): chr12:122,235,875, C>T on the plus strand (G>A on the coding strand, the complement: VPS33A is on the minus strand). VCF-style: chr12-122235875-C-T. GRCh37 (hg19) VCF-style: chr12-122720422-C-T.
Other names: c.1318G>A, p.Gly440Ser (NM_001351018.2); c.1303G>A, p.Gly435Ser (NM_001351019.2); c.1030G>A, p.Gly344Ser (NM_001351020.2); short protein forms G435S, G344S, G440S, G451S.
Identifiers: ClinVar variation 1911722 (VCV001911722.2), dbSNP rs747093853, ClinGen allele CA6844344.